The following is an entry in ClinVar:

ClinVar aggregate classification (germline): Uncertain significance (1 of 4 stars; one submission).

Conditions:
Charcot-Marie-Tooth disease type 4. Also called: Charcot-Marie-Tooth, Type 4; Charcot-Marie-Tooth disease, type IV. Identifiers: Orphanet 64749, MedGen C4082197, MONDO:0018995.

Submission:

Labcorp Genetics (formerly Invitae), Labcorp
Classification: Uncertain significance for Charcot-Marie-Tooth disease type 4. Last evaluated: 2018-02-07. Review status: criteria provided, single submitter. Criteria: Invitae Variant Classification Sherloc (09022015). Collection method: clinical testing. Allele origin: germline.
Comment: Experimental studies and prediction algorithms are not available for this exon deletion, and the functional significance of the deleted amino acids is currently unknown. In summary, the available evidence is currently insufficient to determine the role of this variant in disease. Therefore, it has been classified as a Variant of Uncertain Significance. This variant has not been reported in the literature in individuals with FGD4-related disease. This variant is an in-frame deletion of the genomic region encompassing exon 5 of the FGD4 gene. It preserves the integrity of the reading frame.

NC_000012.12:g.(?_32598477)_(32598606_?)del

Gene: FGD4 (FYVE, RhoGEF and PH domain containing 4; plus strand). Cytogenetic location: 12p11.21.
Variant type: Deletion.
Identifiers: ClinVar variation 583715 (VCV000583715.7).